The following is an entry in ClinVar:

ClinVar aggregate classification (germline): Uncertain significance (1 of 4 stars; one submission).

Conditions:
Charcot-Marie-Tooth disease axonal type 2O. Also called: CHARCOT-MARIE-TOOTH NEUROPATHY, AXONAL, TYPE 2O; CHARCOT-MARIE-TOOTH DISEASE, AXONAL, AUTOSOMAL DOMINANT, TYPE 2O; Charcot-Marie-Tooth disease, axonal, type 20; Charcot-Marie-Tooth Neuropathy Type 2O. Identifiers: Orphanet 284232, MedGen C3280220, MONDO:0013644, OMIM 614228.

Allele frequency attached by ClinVar (database versions not stated): gnomAD 0.00001; TOPMed 0.00001.

Submission:

Labcorp Genetics (formerly Invitae), Labcorp
Classification: Uncertain significance for Charcot-Marie-Tooth disease axonal type 2O. Last evaluated: 2024-05-10. Review status: criteria provided, single submitter. Criteria: Invitae Variant Classification Sherloc (09022015). Collection method: clinical testing. Allele origin: germline.
Comment: This sequence change replaces proline, which is neutral and non-polar, with glutamine, which is neutral and polar, at codon 2425 of the DYNC1H1 protein (p.Pro2425Gln). This variant is not present in population databases (gnomAD no frequency). This variant has not been reported in the literature in individuals affected with DYNC1H1-related conditions. ClinVar contains an entry for this variant (Variation ID: 1425468). Advanced modeling of protein sequence and biophysical properties (such as structural, functional, and spatial information, amino acid conservation, physicochemical variation, residue mobility, and thermodynamic stability) performed at Invitae indicates that this missense variant is not expected to disrupt DYNC1H1 protein function with a negative predictive value of 95%. In summary, the available evidence is currently insufficient to determine the role of this variant in disease. Therefore, it has been classified as a Variant of Uncertain Significance.

NM_001376.5(DYNC1H1):c.7274C>A (p.Pro2425Gln)

Gene: DYNC1H1 (dynein cytoplasmic 1 heavy chain 1; plus strand). Cytogenetic location: 14q32.31.
Variant type: single nucleotide variant.
Coding change: c.7274C>A on transcript NM_001376.5 (MANE Select); coding-DNA position 7274, C replaced by A.
Protein change: p.Pro2425Gln; replaces proline 2425 with glutamine.
Molecular consequence: missense variant.
Genome position (GRCh38, 1-based): chr14:102,015,887, C>A. VCF-style: chr14-102015887-C-A. GRCh37 (hg19) VCF-style: chr14-102482224-C-A.
Other names: short protein forms P2425Q.
Identifiers: ClinVar variation 1425468 (VCV001425468.8), dbSNP rs1406145337, ClinGen allele CA391001771.